The following is an entry in ClinVar:

NM_001367823.1(ARHGEF18):c.3829A>T (p.Met1277Leu)

Gene: ARHGEF18 (Rho/Rac guanine nucleotide exchange factor 18; plus strand). Cytogenetic location: 19p13.2.
Variant type: single nucleotide variant.
Coding change: c.3829A>T on transcript NM_001367823.1 (MANE Select); coding-DNA position 3829, A replaced by T.
Protein change: p.Met1277Leu; replaces methionine 1277 with leucine.
Molecular consequence: missense variant.
Genome position (GRCh38, 1-based): chr19:7,469,945, A>T. VCF-style: chr19-7469945-A-T. GRCh37 (hg19) VCF-style: chr19-7534831-A-T.
Other names: c.3103A>T, p.Met1035Leu (NM_001130955.2); c.2791A>T, p.Met931Leu (NM_001367824.1, NM_015318.4); short protein forms M931L, M1035L, M1277L.
Identifiers: ClinVar variation 2091138 (VCV002091138.2), dbSNP rs2512358803, ClinGen allele CA403095723.
Genomic context (GRCh38, chr19:7,469,945, plus strand): 5'-AATACCTTCTCTCTTCCAGCGTCCTTCGACCTGAAGCAGCAGCTGCTGCTCAACAAGCTC[A>T]TGGGGAAAGATGAGAGCACCTCACGGAACCGCCGCTCGCTGAGCCCTATCCTGCCCGGCA-3'
Protein context (NP_001354752.1, residues 1267-1287): LKQQLLLNKL[Met1277Leu]GKDESTSRNR

ClinVar aggregate classification (germline): Uncertain significance (1 of 4 stars; one submission).

Submission:

Labcorp Genetics (formerly Invitae), Labcorp
Classification: Uncertain significance. Last evaluated: 2022-02-03. Review status: criteria provided, single submitter. Criteria: Invitae Variant Classification Sherloc (09022015). Collection method: clinical testing. Allele origin: germline.
Comment: This variant is not present in population databases (gnomAD no frequency). This sequence change replaces methionine, which is neutral and non-polar, with leucine, which is neutral and non-polar, at codon 1089 of the ARHGEF18 protein (p.Met1089Leu). This variant has not been reported in the literature in individuals affected with ARHGEF18-related conditions. In summary, the available evidence is currently insufficient to determine the role of this variant in disease. Therefore, it has been classified as a Variant of Uncertain Significance. Algorithms developed to predict the effect of missense changes on protein structure and function (SIFT, PolyPhen-2, Align-GVGD) all suggest that this variant is likely to be tolerated.